The following is an entry in ClinVar:

ClinVar aggregate classification (germline): Uncertain significance (1 of 4 stars; one submission).

Submission:

CeGaT Center for Human Genetics Tuebingen
Classification: Uncertain significance. Last evaluated: 2022-09-01. Review status: criteria provided, single submitter. Criteria: CeGaT Center For Human Genetics Tuebingen Variant Classification Criteria Version 2. Collection method: clinical testing. Allele origin: germline. Affected: yes. Observed: 1 variant allele.
Comment: VLDLR: PM2, PP3

NM_003383.5(VLDLR):c.1030T>C (p.Cys344Arg)

Gene: VLDLR (very low density lipoprotein receptor; plus strand). Cytogenetic location: 9p24.2.
Variant type: single nucleotide variant.
Coding change: c.1030T>C on transcript NM_003383.5 (MANE Select); coding-DNA position 1030, T replaced by C.
Protein change: p.Cys344Arg; replaces cysteine 344 with arginine.
Molecular consequence: missense variant.
Genome position (GRCh38, 1-based): chr9:2,643,923, T>C. VCF-style: chr9-2643923-T-C. GRCh37 (hg19) VCF-style: chr9-2643923-T-C.
Other names: c.1030T>C, p.Cys344Arg (NM_001018056.3); c.907T>C, p.Cys303Arg (NM_001322225.2, NM_001322226.2); short protein forms C303R, C344R.
Identifiers: ClinVar variation 2499085 (VCV002499085.28), dbSNP rs2488725961, ClinGen allele CA372792469.